The following is an entry in ClinVar:

ClinVar aggregate classification (germline): Pathogenic (1 of 4 stars; one submission).

Submission:

Labcorp Genetics (formerly Invitae), Labcorp
Classification: Pathogenic. Last evaluated: 2022-08-10. Review status: criteria provided, single submitter. Criteria: Invitae Variant Classification Sherloc (09022015). Collection method: clinical testing. Allele origin: germline.
Comment: For these reasons, this variant has been classified as Pathogenic. ClinVar contains an entry for this variant (Variation ID: 1441533). This variant has not been reported in the literature in individuals affected with CWC27-related conditions. This variant is not present in population databases (gnomAD no frequency). This sequence change creates a premature translational stop signal (p.Ile6Argfs*11) in the CWC27 gene. It is expected to result in an absent or disrupted protein product. Loss-of-function variants in CWC27 are known to be pathogenic (PMID: 28285769).

Literature cited by the submitters: PubMed 28285769.

NM_005869.4(CWC27):c.17_20del (p.Ile6fs)

Genes: CWC27 (CWC27 spliceosome associated cyclophilin; plus strand), LOC123493324 (MED14-independent group 3 enhancer GRCh37_chr5:64063900-64065099; plus strand). Cytogenetic location: 5q12.3.
Variant type: Deletion.
Coding change: c.17_20del on transcript NM_005869.4 (MANE Select); coding-DNA positions 17 to 20, 4 bases deleted (TCCA; older notation c.17_20delTCCA).
Protein change: p.Ile6fs; shifts the reading frame from isoleucine 6.
Molecular consequence: frameshift variant.
Genome position (GRCh38, 1-based): chr5:64,769,163-64,769,166, TCCA deleted; deleting any 4 consecutive bases within chr5:64,769,161-64,769,166 gives the same sequence; the c. name uses the placement nearest the transcript's 3' end. VCF-style (leftmost placement, unchanged base first): chr5-64769160-ACATC-A. GRCh37 (hg19) VCF-style: chr5-64064987-ACATC-A.
Other names: c.17_20del, p.Ile6fs (NM_001297644.1, NM_001297645.2, NM_001318000.2 and 1 more transcripts); short protein forms I6fs.
Identifiers: ClinVar variation 1441533 (VCV001441533.6), dbSNP rs2112128704, ClinGen allele CA2573139781.
Genomic context (GRCh38, chr5:64,769,160, plus strand): 5'-GCCGCTCTCATCCCCCGTAAGGAGCAGAGTCCTTTGTACTGACCAAGATGAGCAACATCT[ACATC>A]CAGGAGCCTCCCACGAATGGGAAGGTGAGAGCCTCATCTAGGGAACTTGGGGTCCTGGGA-3'